The following is an entry in ClinVar:

ClinVar aggregate classification (germline): Uncertain significance (1 of 4 stars; one submission).

Allele frequency attached by ClinVar (database versions not stated): ExAC 0.00001; gnomAD exomes 0.00001; gnomAD 0.00002; TOPMed 0.00002.
gnomAD v4.1: 13 of 1,605,758 alleles (0.00081%); highest among the groups gnomAD compares: Admixed American, 0.012%; no homozygotes.

Submission:

Labcorp Genetics (formerly Invitae), Labcorp
Classification: Uncertain significance. Last evaluated: 2022-08-09. Review status: criteria provided, single submitter. Criteria: Invitae Variant Classification Sherloc (09022015). Collection method: clinical testing. Allele origin: germline.
Comment: This sequence change replaces arginine, which is basic and polar, with histidine, which is basic and polar, at codon 335 of the KATNB1 protein (p.Arg335His). This variant is present in population databases (rs782790122, gnomAD 0.02%). This variant has not been reported in the literature in individuals affected with KATNB1-related conditions. Advanced modeling of protein sequence and biophysical properties (such as structural, functional, and spatial information, amino acid conservation, physicochemical variation, residue mobility, and thermodynamic stability) performed at Invitae indicates that this missense variant is not expected to disrupt KATNB1 protein function. In summary, the available evidence is currently insufficient to determine the role of this variant in disease. Therefore, it has been classified as a Variant of Uncertain Significance.

NM_005886.3(KATNB1):c.1004G>A (p.Arg335His)

Gene: KATNB1 (katanin regulatory subunit B1; plus strand). Cytogenetic location: 16q21.
Variant type: single nucleotide variant.
Coding change: c.1004G>A on transcript NM_005886.3 (MANE Select); coding-DNA position 1004, G replaced by A.
Protein change: p.Arg335His; replaces arginine 335 with histidine.
Molecular consequence: missense variant.
Genome position (GRCh38, 1-based): chr16:57,753,225, G>A. VCF-style: chr16-57753225-G-A. GRCh37 (hg19) VCF-style: chr16-57787137-G-A.
Other names: short protein forms R335H.
Identifiers: ClinVar variation 2189988 (VCV002189988.1), dbSNP rs782790122, ClinGen allele CA8080973.
Genomic context (GRCh38, chr16:57,753,225, plus strand): 5'-CTGTGCAGGACCACCGGCCCCTGGCACAGCCACTGCCCAACCCCAGCGCCCCCCTCCGGC[G>A]CATCTATGAGCGGCCCAGCACAACCTGCAGCAAGCCTCAGAGGTGAGGGCCTGGGGGGCC-3'
Protein context (NP_005877.2, residues 325-345): PLPNPSAPLR[Arg335His]IYERPSTTCS